The following is an entry in ClinVar:

ClinVar aggregate classification (germline): Uncertain significance. Review status: criteria provided, multiple submitters, no conflicts (2 of 4 stars). 2 submissions from 2 submitters: Uncertain significance (2). Last evaluated 2025-03-25.

Conditions:
Paget disease of bone 2, early-onset (PDB2). Also called: Paget disease of bone 2. Identifiers: MedGen C4085251, MONDO:0011183, OMIM 602080.
Frontotemporal dementia and/or amyotrophic lateral sclerosis 1 (FTDALS1). Also called: Frontotemporal dementia with motor neuron disease 1; C9orf72 Frontotemporal Dementia and/or Amyotrophic Lateral Sclerosis. Identifiers: Orphanet 275872, MedGen C5779877, MONDO:0007105, OMIM 105550.
SQSTM1-related disorder. Also called: SQSTM1-Related Disorders.

Allele frequency attached by ClinVar (database versions not stated): gnomAD exomes 0.00001 and 0.00002; ExAC 0.00002; gnomAD 0.00002; TOPMed 0.00002.
gnomAD v4.1: 9 of 1,614,068 alleles (0.00056%); highest among the groups gnomAD compares: Admixed American, 0.013%; no homozygotes.

Submissions (2):

Labcorp Genetics (formerly Invitae), Labcorp
Classification: Uncertain significance for Paget disease of bone 2, early-onset; Frontotemporal dementia and/or amyotrophic lateral sclerosis 1. Last evaluated: 2025-03-25. Review status: criteria provided, single submitter. Criteria: Invitae Variant Classification Sherloc (09022015). Collection method: clinical testing. Allele origin: germline.
Comment: This sequence change replaces proline, which is neutral and non-polar, with serine, which is neutral and polar, at codon 270 of the SQSTM1 protein (p.Pro270Ser). This variant is present in population databases (no rsID available, gnomAD 0.009%). This variant has not been reported in the literature in individuals affected with SQSTM1-related conditions. ClinVar contains an entry for this variant (Variation ID: 947963). Invitae Evidence Modeling of protein sequence and biophysical properties (such as structural, functional, and spatial information, amino acid conservation, physicochemical variation, residue mobility, and thermodynamic stability) indicates that this missense variant is not expected to disrupt SQSTM1 protein function with a negative predictive value of 80%. In summary, the available evidence is currently insufficient to determine the role of this variant in disease. Therefore, it has been classified as a Variant of Uncertain Significance.

PreventionGenetics, part of Exact Sciences
Classification: Uncertain significance for SQSTM1-related condition. Last evaluated: 2024-12-06. Review status: criteria provided, single submitter. Criteria: ACMG Guidelines, 2015. Collection method: clinical testing. Allele origin: germline.
Comment: The SQSTM1 c.808C>T variant is predicted to result in the amino acid substitution p.Pro270Ser. To our knowledge, this variant has not been reported in the literature. This variant is reported in 0.012% of alleles in individuals of Latino descent in gnomAD. At this time, the clinical significance of this variant is uncertain due to the absence of conclusive functional and genetic evidence.

NM_003900.5(SQSTM1):c.808C>T (p.Pro270Ser)

Gene: SQSTM1 (sequestosome 1; plus strand). Cytogenetic location: 5q35.3.
Variant type: single nucleotide variant.
Coding change: c.808C>T on transcript NM_003900.5 (MANE Select); coding-DNA position 808, C replaced by T.
Protein change: p.Pro270Ser; replaces proline 270 with serine.
Molecular consequence: missense variant.
Genome position (GRCh38, 1-based): chr5:179,833,085, C>T. VCF-style: chr5-179833085-C-T. GRCh37 (hg19) VCF-style: chr5-179260085-C-T.
Other names: c.556C>T, p.Pro186Ser (NM_001142298.2, NM_001142299.2); short protein forms P270S, P186S.
Identifiers: ClinVar variation 947963 (VCV000947963.8), dbSNP rs1194274800, ClinGen allele CA3600693.